The following is an entry in ClinVar:

NM_015272.5(RPGRIP1L):c.2398A>G (p.Asn800Asp)

Gene: RPGRIP1L (RPGRIP1 like; minus strand). Cytogenetic location: 16q12.2.
Variant type: single nucleotide variant.
Coding change: c.2398A>G on transcript NM_015272.5 (MANE Select); coding-DNA position 2398, A replaced by G.
Protein change: p.Asn800Asp; replaces asparagine 800 with aspartic acid.
Molecular consequence: missense variant.
Genome position (GRCh38, 1-based): chr16:53,645,910, T>C on the plus strand (A>G on the coding strand, the complement: RPGRIP1L is on the minus strand). VCF-style: chr16-53645910-T-C. GRCh37 (hg19) VCF-style: chr16-53679822-T-C.
Other names: c.2398A>G, p.Asn800Asp (NM_001127897.4, NM_001308334.3, NM_001330538.2); c.2398A>G (NM_015272.4); short protein forms N800D.
Identifiers: ClinVar variation 1487058 (VCV001487058.4), dbSNP rs752724338, ClinGen allele CA395914706.

ClinVar aggregate classification (germline): Uncertain significance. Review status: criteria provided, multiple submitters, no conflicts (2 of 4 stars). 2 submissions from 2 submitters: Uncertain significance (2). Last evaluated 2024-10-10.

Conditions:
Joubert syndrome. Also called: Familial aplasia of the vermis; JOUBERT-BOLTSHAUSER SYNDROME. Identifiers: Orphanet 475, MedGen C5979921, MONDO:0018772.
Meckel-Gruber syndrome. Also called: Dysencephalia splachnocystica; DYSENCEPHALIA SPLANCHNOCYSTICA; GRUBER SYNDROME. Identifiers: Orphanet 564, MedGen C0265215, MONDO:0018921.
RPGRIP1L-related disorder. Also called: RPGRIP1L-related disorders; RPGRIP1L-related condition. Identifiers: MedGen CN239416.

gnomAD v4.1: 2 of 1,614,184 alleles (0.00012%); highest among the groups gnomAD compares: Non-Finnish European, 0.00017%; no homozygotes.

Submissions (2):

PreventionGenetics, part of Exact Sciences
Classification: Uncertain significance for RPGRIP1L-related condition. Last evaluated: 2024-10-10. Review status: criteria provided, single submitter. Criteria: ACMG Guidelines, 2015. Collection method: clinical testing. Allele origin: germline.
Comment: The RPGRIP1L c.2398A>G variant is predicted to result in the amino acid substitution p.Asn800Asp. To our knowledge, this variant has not been reported in the literature or in a large population database (gnomAD), indicating this variant is rare. At this time, the clinical significance of this variant is uncertain due to the absence of conclusive functional and genetic evidence.

Labcorp Genetics (formerly Invitae), Labcorp
Classification: Uncertain significance for Joubert syndrome; Meckel-Gruber syndrome. Last evaluated: 2022-07-25. Review status: criteria provided, single submitter. Criteria: Invitae Variant Classification Sherloc (09022015). Collection method: clinical testing. Allele origin: germline.
Comment: This sequence change replaces asparagine, which is neutral and polar, with aspartic acid, which is acidic and polar, at codon 800 of the RPGRIP1L protein (p.Asn800Asp). This variant is not present in population databases (gnomAD no frequency). This variant has not been reported in the literature in individuals affected with RPGRIP1L-related conditions. ClinVar contains an entry for this variant (Variation ID: 1487058). Algorithms developed to predict the effect of missense changes on protein structure and function (SIFT, PolyPhen-2, Align-GVGD) all suggest that this variant is likely to be tolerated. In summary, the available evidence is currently insufficient to determine the role of this variant in disease. Therefore, it has been classified as a Variant of Uncertain Significance.